The following is an entry in ClinVar:

ClinVar aggregate classification (germline): Uncertain significance (1 of 4 stars; one submission).

Conditions:
Charcot-Marie-Tooth disease type 2. Also called: Charcot-Marie-Tooth type 2. Identifiers: Orphanet 64746, MedGen C0270914, MONDO:0018993.

Submission:

Labcorp Genetics (formerly Invitae), Labcorp
Classification: Uncertain significance for Charcot-Marie-Tooth disease type 2. Last evaluated: 2021-03-25. Review status: criteria provided, single submitter. Criteria: Invitae Variant Classification Sherloc (09022015). Collection method: clinical testing. Allele origin: germline.
Comment: This sequence change falls in intron 2 of the LMNA gene. It does not directly change the encoded amino acid sequence of the LMNA protein, but it affects a nucleotide within the consensus splice site of the intron. This variant is not present in population databases (ExAC no frequency). This variant has not been reported in the literature in individuals with LMNA-related conditions. Nucleotide substitutions within the consensus splice site are a relatively common cause of aberrant splicing (PMID: 17576681, 9536098). Algorithms developed to predict the effect of sequence changes on RNA splicing suggest that this variant is not likely to affect RNA splicing, but this prediction has not been confirmed by published transcriptional studies. In summary, the available evidence is currently insufficient to determine the role of this variant in disease. Therefore, it has been classified as a Variant of Uncertain Significance.

Literature cited by the submitters: PubMed 17576681; PubMed 9536098.

NM_170707.4(LMNA):c.513+6G>A

Genes: LMNA (lamin A/C; plus strand), LOC126805877 (MED14-independent group 3 enhancer GRCh37_chr1:156099693-156100892; plus strand). Cytogenetic location: 1q22.
Variant type: single nucleotide variant.
Coding change: c.513+6G>A on transcript NM_170707.4 (MANE Select); 6 bases into the intron after coding-DNA position 513, G replaced by A.
Molecular consequence: intron variant.
Genome position (GRCh38, 1-based): chr1:156,130,779, G>A. VCF-style: chr1-156130779-G-A. GRCh37 (hg19) VCF-style: chr1-156100570-G-A.
Other names: c.513+6G>A (NM_001282625.2, NM_001282626.2, NM_170708.4 and 1 more transcripts); c.177+6G>A (NM_001257374.3); c.270+6G>A (NM_001282624.2).
Identifiers: ClinVar variation 961181 (VCV000961181.10), dbSNP rs751256959, ClinGen allele CA31008139.
Genomic context (GRCh38, chr1:156,130,779, plus strand): 5'-TGAGAAGCGCACGCTGGAGGGCGAGCTGCATGATCTGCGGGGCCAGGTGGCCAAGGTGAG[G>A]CCACCCTGCAGGGCCCACCCATGGCCCCACCTAACACATGTACACTCACTCTTCTACCTA-3'